The following is an entry in ClinVar:

ClinVar aggregate classification (germline): Likely pathogenic (1 of 4 stars; one submission).

Conditions:
Neurodevelopmental disorder with nonspecific brain abnormalities and with or without seizures. Identifiers: MedGen C5231470, MONDO:0032877, OMIM 618709.

Submission:

3billion
Classification: Likely pathogenic for Neurodevelopmental disorder with nonspecific brain abnormalities and with or without seizures. Last evaluated: 2025-10-21. Review status: criteria provided, single submitter. Criteria: ACMG Guidelines, 2015. Collection method: clinical testing. Allele origin: germline. Affected: yes.
Comment: The variant is not observed in the gnomAD v4.1.0 dataset. Predicted Consequence/Location: Canonical splice site: predicted to alter splicing and result in a loss or disruption of normal protein function. Multiple pathogenic loss-of-function variants are reported downstream of the variant. In silico tools predict the variant to alter splicing and produce an abnormal transcript [SpliceAI: 0.27 (spliceogenicity >=0.2, non-spliceogenicity <0.1)]. Therefore, this variant is classified as Likely pathogenic according to the recommendation of ACMG/AMP guideline.

NM_005618.4(DLL1):c.732-2del

Gene: DLL1 (delta like canonical Notch ligand 1; minus strand). Cytogenetic location: 6q27.
Variant type: Deletion.
Coding change: c.732-2del on transcript NM_005618.4 (MANE Select); the canonical splice acceptor site of the intron before coding-DNA position 732, one base deleted (A; older notation c.732-2delA).
Molecular consequence: splice acceptor variant.
Genome position (GRCh38, 1-based): chr6:170,285,701, T deleted on the plus strand (A on the coding strand, the reverse complement: DLL1 is on the minus strand); the first of 2 consecutive T bases (chr6:170,285,701-170,285,702); deleting either gives the same sequence. VCF-style (leftmost placement, unchanged base first): chr6-170285700-CT-C. GRCh37 (hg19) VCF-style: chr6-170594788-CT-C.
Identifiers: ClinVar variation 4854085 (VCV004854085.1).